The following is an entry in ClinVar:

ClinVar aggregate classification (germline): Conflicting classifications of pathogenicity. Review status: criteria provided, conflicting classifications (1 of 4 stars). 2 submissions from 2 submitters: Uncertain significance (1); Likely benign (1). Last evaluated 2024-12-02.

Conditions:
Congenital adrenal hyperplasia due to cytochrome P450 oxidoreductase deficiency. Also called: DISORDERED STEROIDOGENESIS DUE TO POR DEFICIENCY. Identifiers: Orphanet 95699, MedGen C1860042, MONDO:0013310, OMIM 613571.

Allele frequency attached by ClinVar (database versions not stated): TOPMed below 0.00001.
gnomAD v4.1: 4 of 1,580,998 alleles (0.00025%); highest among the groups gnomAD compares: Non-Finnish European, 0.00034%; no homozygotes.

Submissions (2):

Labcorp Genetics (formerly Invitae), Labcorp
Classification: Likely benign for Congenital adrenal hyperplasia due to cytochrome P450 oxidoreductase deficiency. Last evaluated: 2024-12-02. Review status: criteria provided, single submitter. Criteria: Invitae Variant Classification Sherloc (09022015). Collection method: clinical testing. Allele origin: germline.

GeneDx
Classification: Uncertain significance. Last evaluated: 2024-10-21. Review status: criteria provided, single submitter. Criteria: GeneDx Variant Classification Process June 2021. Collection method: clinical testing. Allele origin: germline. Affected: yes.
Comment: In silico analysis indicates that this variant does not alter splicing; Has not been previously published as pathogenic or benign to our knowledge; Not observed at significant frequency in large population cohorts (gnomAD)

NM_001395413.1(POR):c.1722G>A (p.Leu574=)

Gene: POR (cytochrome p450 oxidoreductase; plus strand). Cytogenetic location: 7q11.23.
Variant type: single nucleotide variant.
Coding change: c.1722G>A on transcript NM_001395413.1 (MANE Select); coding-DNA position 1722, G replaced by A.
Protein change: p.Leu574=; no amino-acid change (leucine 574 retained).
Molecular consequence: synonymous variant.
Genome position (GRCh38, 1-based): chr7:75,985,984, G>A. VCF-style: chr7-75985984-G-A. GRCh37 (hg19) VCF-style: chr7-75615302-G-A.
Other names: c.1731G>A (NM_000941.2); c.1722G>A, p.Leu574= (NM_001367562.3, NM_001382657.2, NM_001382658.3 and 1 more transcripts); c.1776G>A, p.Leu592= (NM_001382655.3); c.1572G>A, p.Leu524= (NM_001382662.3).
Identifiers: ClinVar variation 1145128 (VCV001145128.10), dbSNP rs1554559285, ClinGen allele CA456331394.